The following is an entry in ClinVar:

ClinVar aggregate classification (germline): Uncertain significance (1 of 4 stars; one submission).

Submission:

Labcorp Genetics (formerly Invitae), Labcorp
Classification: Uncertain significance. Last evaluated: 2022-06-23. Review status: criteria provided, single submitter. Criteria: Invitae Variant Classification Sherloc (09022015). Collection method: clinical testing. Allele origin: germline.
Comment: In summary, the available evidence is currently insufficient to determine the role of this variant in disease. Therefore, it has been classified as a Variant of Uncertain Significance. Algorithms developed to predict the effect of missense changes on protein structure and function (SIFT, PolyPhen-2, Align-GVGD) all suggest that this variant is likely to be disruptive. This missense change has been observed in individual(s) with clinical features of KARS-related conditions (Invitae). This variant is not present in population databases (gnomAD no frequency). This sequence change replaces aspartic acid, which is acidic and polar, with glycine, which is neutral and non-polar, at codon 588 of the KARS protein (p.Asp588Gly).

NM_005548.3(KARS1):c.1679A>G (p.Asp560Gly)

Gene: KARS1 (lysyl-tRNA synthetase 1; minus strand). Cytogenetic location: 16q23.1.
Variant type: single nucleotide variant.
Coding change: c.1679A>G on transcript NM_005548.3 (MANE Select); coding-DNA position 1679, A replaced by G.
Protein change: p.Asp560Gly; replaces aspartic acid 560 with glycine.
Molecular consequence: missense variant.
Genome position (GRCh38, 1-based): chr16:75,628,585, T>C on the plus strand (A>G on the coding strand, the complement: KARS1 is on the minus strand). VCF-style: chr16-75628585-T-C. GRCh37 (hg19) VCF-style: chr16-75662483-T-C.
Other names: c.1763A>G, p.Asp588Gly (NM_001130089.2); c.1211A>G, p.Asp404Gly (NM_001378148.1); short protein forms D404G, D588G, D560G.
Identifiers: ClinVar variation 2010002 (VCV002010002.4), dbSNP rs2507548678, ClinGen allele CA396809479.